The following is an entry in ClinVar:

NM_018319.4(TDP1):c.1557G>C (p.Lys519Asn)

Gene: TDP1 (tyrosyl-DNA phosphodiesterase 1; plus strand). Cytogenetic location: 14q32.11.
Variant type: single nucleotide variant.
Coding change: c.1557G>C on transcript NM_018319.4 (MANE Select); coding-DNA position 1557, G replaced by C.
Protein change: p.Lys519Asn; replaces lysine 519 with asparagine.
Molecular consequence: missense variant.
Genome position (GRCh38, 1-based): chr14:90,019,331, G>C. VCF-style: chr14-90019331-G-C. GRCh37 (hg19) VCF-style: chr14-90485675-G-C.
Other names: c.1557G>C, p.Lys519Asn (NM_001008744.2, NM_001330205.2); short protein forms K519N.
Identifiers: ClinVar variation 586805 (VCV000586805.2), dbSNP rs1566913776, ClinGen allele CA390594873.
Genomic context (GRCh38, chr14:90,019,331, plus strand): 5'-AGATGCCTCCCTGAGTCAGCCCTATCTGTGTCCTTGTCTCTGCAGCGCAAATCTGTCCAA[G>C]GCTGCCTGGGGAGCATTGGAGAAGAATGGCACCCAGCTGATGATCCGCTCCTACGAGCTC-3'
Protein context (NP_060789.2, residues 509-529): WFLVTSANLS[Lys519Asn]AAWGALEKNG

ClinVar aggregate classification (germline): Uncertain significance (1 of 4 stars; one submission).

Submission:

Athena Diagnostics
Classification: Uncertain significance. Last evaluated: 2025-09-05. Review status: criteria provided, single submitter. Criteria: Athena Diagnostics Criteria. Collection method: clinical testing. Allele origin: unknown.
Comment: Available data are insufficient to determine the clinical significance of the variant at this time. This variant has not been reported in large, multi-ethnic general populations. Polyphen and MutationTaster predict this amino acid change may be damaging to the protein.